The following is an entry in ClinVar:

NM_001366385.1(CARD14):c.2785G>A (p.Glu929Lys)

Genes: CARD14 (caspase recruitment domain family member 14; plus strand), SGSH (N-sulfoglucosamine sulfohydrolase; minus strand). Cytogenetic location: 17q25.3.
Variant type: single nucleotide variant.
Coding change: c.2785G>A on transcript NM_001366385.1 (MANE Select); coding-DNA position 2785, G replaced by A.
Protein change: p.Glu929Lys; replaces glutamic acid 929 with lysine.
Molecular consequence: missense variant. On other transcripts: non-coding transcript variant (1).
Genome position (GRCh38, 1-based): chr17:80,207,063, G>A. VCF-style: chr17-80207063-G-A. GRCh37 (hg19) VCF-style: chr17-78180862-G-A.
Other names: c.2785G>A, p.Glu929Lys (NM_024110.4); short protein forms E929K.
Identifiers: ClinVar variation 1432206 (VCV001432206.8), dbSNP rs1567907237, ClinGen allele CA401357054.
Genomic context (GRCh38, chr17:80,207,063, plus strand): 5'-AGTGTCTGCACCCTGCACAGGATGGACATCTTCCCCATCGTCATCCACGTCTCTGTCAAC[G>A]AGAAGATGGCAAAGAAGCTCAAGTAGGTGCACGCTGGGGGCTGGGCAGGGGCTTCGAAGC-3'
Protein context (NP_001353314.1, residues 919-939): FPIVIHVSVN[Glu929Lys]KMAKKLKKGL

ClinVar aggregate classification (germline): Uncertain significance (1 of 4 stars; one submission).

Conditions:
Psoriasis 2. Identifiers: MedGen C1864497, MONDO:0011269, OMIM 602723.
Pityriasis rubra pilaris (PRP). Also called: Pityriasis rubra pilaris--familial type. Identifiers: Orphanet 2897, MedGen C0032027, MONDO:0100017, OMIM 173200, MONDO:0008251.

gnomAD v4.1: 12 of 1,613,804 alleles (0.00074%); highest among the groups gnomAD compares: Non-Finnish European, 0.00093%; no homozygotes.

Submission:

Labcorp Genetics (formerly Invitae), Labcorp
Classification: Uncertain significance for Pityriasis rubra pilaris; Psoriasis 2. Last evaluated: 2023-05-09. Review status: criteria provided, single submitter. Criteria: Invitae Variant Classification Sherloc (09022015). Collection method: clinical testing. Allele origin: germline.
Comment: This sequence change replaces glutamic acid, which is acidic and polar, with lysine, which is basic and polar, at codon 929 of the CARD14 protein (p.Glu929Lys). This variant is present in population databases (no rsID available, gnomAD 0.004%). This variant has not been reported in the literature in individuals affected with CARD14-related conditions. ClinVar contains an entry for this variant (Variation ID: 1432206). Advanced modeling of protein sequence and biophysical properties (such as structural, functional, and spatial information, amino acid conservation, physicochemical variation, residue mobility, and thermodynamic stability) performed at Invitae indicates that this missense variant is expected to disrupt CARD14 protein function. In summary, the available evidence is currently insufficient to determine the role of this variant in disease. Therefore, it has been classified as a Variant of Uncertain Significance.